The following is an entry in ClinVar:

NM_003070.5(SMARCA2):c.3939C>T (p.Asp1313=)

Gene: SMARCA2 (SWI/SNF related BAF chromatin remodeling complex subunit ATPase 2; plus strand). Cytogenetic location: 9p24.3.
Variant type: single nucleotide variant.
Coding change: c.3939C>T on transcript NM_003070.5 (MANE Select); coding-DNA position 3939, C replaced by T.
Protein change: p.Asp1313=; no amino-acid change (aspartic acid 1313 retained).
Molecular consequence: synonymous variant.
Genome position (GRCh38, 1-based): chr9:2,123,895, C>T. VCF-style: chr9-2123895-C-T. GRCh37 (hg19) VCF-style: chr9-2123895-C-T.
Other names: c.3939C>T, p.Asp1313= (NM_001289396.2, NM_139045.4); c.3765C>T, p.Asp1255= (NM_001289397.2).
Identifiers: ClinVar variation 366222 (VCV000366222.11), dbSNP rs745662991, ClinGen allele CA4963875.

ClinVar aggregate classification (germline): Benign/Likely benign. Review status: criteria provided, multiple submitters, no conflicts (2 of 4 stars). 4 submissions from 4 submitters: Benign (1); Likely benign (2). 1 of the submissions does not count toward it. Last evaluated 2024-09-11.

Conditions:
SMARCA2-related disorder. Also called: SMARCA2-related condition.
Nicolaides-Baraitser syndrome (NCBRS). Also called: SMARCA2-Related Nicolaides-Baraitser Syndrome; Intellectual disability-sparse hair-brachydactyly syndrome. Identifiers: Orphanet 3051, MedGen C1303073, MONDO:0011053, OMIM 601358.

Allele frequency attached by ClinVar (database versions not stated): gnomAD 0.00002; TOPMed 0.00003.
gnomAD v4.1: 24 of 1,591,830 alleles (0.0015%); highest among the groups gnomAD compares: East Asian, 0.018%; no homozygotes.

Submissions (4):

Blueprint Genetics
Classification: Likely benign. Last evaluated: 2024-09-11. Review status: criteria provided, single submitter. Criteria: ACMG Guidelines, 2015. Collection method: clinical testing. Allele origin: germline.

Labcorp Genetics (formerly Invitae), Labcorp
Classification: Likely benign. Last evaluated: 2024-05-22. Review status: criteria provided, single submitter. Criteria: Invitae Variant Classification Sherloc (09022015). Collection method: clinical testing. Allele origin: germline.

Illumina Laboratory Services, Illumina
Classification: Benign for Nicolaides-Baraitser syndrome. Last evaluated: 2018-01-12. Review status: criteria provided, single submitter. Criteria: ICSL Variant Classification Criteria 13 December 2019. Collection method: clinical testing. Allele origin: germline.
Comment: This variant was observed in the ICSL laboratory as part of a predisposition screen in an ostensibly healthy population. It had not been previously curated by ICSL or reported in the Human Gene Mutation Database (HGMD: prior to June 1st, 2018), and was therefore a candidate for classification through an automated scoring system. Utilizing variant allele frequency, disease prevalence and penetrance estimates, and inheritance mode, an automated score was calculated to assess if this variant is too frequent to cause the disease. Based on the score and internal cut-off values, a variant classified as benign is not then subjected to further curation. The score for this variant resulted in a classification of benign for this disease.

PreventionGenetics, part of Exact Sciences
Classification: Likely benign for SMARCA2-related condition. Last evaluated: 2019-02-22. Review status: no assertion criteria provided. Collection method: clinical testing. Allele origin: germline. Not counted in ClinVar's aggregate classification.
Comment: This variant is classified as likely benign based on ACMG/AMP sequence variant interpretation guidelines (Richards et al. 2015 PMID: 25741868, with internal and published modifications).